The following is an entry in ClinVar:

ClinVar aggregate classification (germline): Benign/Likely benign. Review status: criteria provided, multiple submitters, no conflicts (2 of 4 stars). 3 submissions from 3 submitters: Benign (1); Likely benign (2). Last evaluated 2026-07-08.

Conditions:
Hereditary cancer-predisposing syndrome. Also called: Hereditary Cancer Syndrome; Hereditary neoplastic syndrome; Neoplastic Syndromes, Hereditary; Tumor predisposition. Identifiers: Orphanet 140162, MedGen C0027672, MeSH D009386, MONDO:0015356.
Rhabdoid tumor predisposition syndrome 2 (RTPS2). Identifiers: Orphanet 231108, Orphanet 69077, MedGen C2750074, MONDO:0013224, OMIM 613325.

gnomAD v4.1: 2 of 1,611,396 alleles (0.00012%); highest among the groups gnomAD compares: South Asian, 0.0011%; no homozygotes.

Submissions (3):

Myriad Genetics, Inc.
Classification: Benign for Rhabdoid tumor predisposition syndrome 2. Last evaluated: 2026-07-08. Review status: criteria provided, single submitter. Criteria: Myriad Autosomal Dominant, Autosomal Recessive and X-Linked Classification Criteria (2023). Collection method: clinical testing. Allele origin: unknown.
Comment: This variant is considered benign. This variant is a silent/synonymous amino acid change and it is not expected to impact splicing.

Ambry Genetics
Classification: Likely benign for Hereditary cancer-predisposing syndrome. Last evaluated: 2024-03-22. Review status: criteria provided, single submitter. Criteria: Ambry Variant Classification Scheme 2023. Collection method: clinical testing. Allele origin: germline.

Labcorp Genetics (formerly Invitae), Labcorp
Classification: Likely benign for Rhabdoid tumor predisposition syndrome 2. Last evaluated: 2022-07-14. Review status: criteria provided, single submitter. Criteria: Invitae Variant Classification Sherloc (09022015). Collection method: clinical testing. Allele origin: germline.

NM_003072.5(SMARCA4):c.105G>T (p.Ser35=)

Gene: SMARCA4 (SWI/SNF related BAF chromatin remodeling complex subunit ATPase 4; plus strand). Cytogenetic location: 19p13.2.
Variant type: single nucleotide variant.
Coding change: c.105G>T on transcript NM_003072.5 (MANE Select); coding-DNA position 105, G replaced by T.
Protein change: p.Ser35=; no amino-acid change (serine 35 retained).
Molecular consequence: synonymous variant. On other transcripts: non-coding transcript variant (1).
Genome position (GRCh38, 1-based): chr19:10,984,256, G>T. VCF-style: chr19-10984256-G-T. GRCh37 (hg19) VCF-style: chr19-11094932-G-T.
Other names: c.105G>T (NM_001128849.1); c.105G>T, p.Ser35= (NM_001128844.3, NM_001128845.2, NM_001128846.2 and 5 more transcripts).
Identifiers: ClinVar variation 1157623 (VCV001157623.11), dbSNP rs762531687, ClinGen allele CA505487219.
Genomic context (GRCh38, chr19:10,984,256, plus strand): 5'-TCCTTCCCCGGGCCCTGGCCCTTCCCCTGGAGCCATGCTGGGCCCTAGCCCGGGTCCCTC[G>T]CCGGGCTCCGCCCACAGCATGATGGGGCCCAGCCCAGGGCCGCCCTCAGCAGGACACCCC-3'
Protein context (NP_003063.2, residues 25-45): GAMLGPSPGP[Ser35=]PGSAHSMMGP